The following is an entry in ClinVar:

NM_004329.3(BMPR1A):c.797C>G (p.Thr266Ser)

Gene: BMPR1A (bone morphogenetic protein receptor type 1A; plus strand). Cytogenetic location: 10q23.2.
Variant type: single nucleotide variant.
Coding change: c.797C>G on transcript NM_004329.3 (MANE Select); coding-DNA position 797, C replaced by G.
Protein change: p.Thr266Ser; replaces threonine 266 with serine.
Molecular consequence: missense variant.
Genome position (GRCh38, 1-based): chr10:86,917,255, C>G. VCF-style: chr10-86917255-C-G. GRCh37 (hg19) VCF-style: chr10-88677012-C-G.
Other names: short protein forms T266S.
Identifiers: ClinVar variation 482868 (VCV000482868.16), dbSNP rs1554890797, ClinGen allele CA377458213.

ClinVar aggregate classification (germline): Uncertain significance. Review status: criteria provided, multiple submitters, no conflicts (2 of 4 stars). 3 submissions from 3 submitters: Uncertain significance (3). Last evaluated 2025-09-11.

Conditions:
Juvenile polyposis syndrome (JPS). Identifiers: Orphanet 2929, MedGen C0345893, MONDO:0017380, OMIM 174900.
Hereditary cancer-predisposing syndrome. Also called: Hereditary neoplastic syndrome; Neoplastic Syndromes, Hereditary; Tumor predisposition; Hereditary Cancer Syndrome. Identifiers: Orphanet 140162, MedGen C0027672, MeSH D009386, MONDO:0015356.

Allele frequency attached by ClinVar (database versions not stated): gnomAD exomes below 0.00001.
gnomAD v4.1: 2 of 1,613,912 alleles (0.00012%); highest among the groups gnomAD compares: Non-Finnish European, 0.000085%; no homozygotes.

Submissions (3):

Ambry Genetics
Classification: Uncertain significance for Hereditary cancer-predisposing syndrome. Last evaluated: 2025-09-11. Review status: criteria provided, single submitter. Criteria: Ambry Variant Classification Scheme 2023. Collection method: clinical testing. Allele origin: germline.
Comment: The p.T266S variant (also known as c.797C>G), located in coding exon 7 of the BMPR1A gene, results from a C to G substitution at nucleotide position 797. The threonine at codon 266 is replaced by serine, an amino acid with similar properties. This amino acid position is well conserved in available vertebrate species. In addition, this alteration is predicted to be tolerated by in silico analysis. Based on the available evidence, the clinical significance of this variant remains unclear.

Labcorp Genetics (formerly Invitae), Labcorp
Classification: Uncertain significance for Juvenile polyposis syndrome. Last evaluated: 2023-12-01. Review status: criteria provided, single submitter. Criteria: Invitae Variant Classification Sherloc (09022015). Collection method: clinical testing. Allele origin: germline.
Comment: This sequence change replaces threonine, which is neutral and polar, with serine, which is neutral and polar, at codon 266 of the BMPR1A protein (p.Thr266Ser). This variant is not present in population databases (gnomAD no frequency). This variant has not been reported in the literature in individuals affected with BMPR1A-related conditions. ClinVar contains an entry for this variant (Variation ID: 482868). Advanced modeling of protein sequence and biophysical properties (such as structural, functional, and spatial information, amino acid conservation, physicochemical variation, residue mobility, and thermodynamic stability) performed at Invitae indicates that this missense variant is not expected to disrupt BMPR1A protein function with a negative predictive value of 80%. In summary, the available evidence is currently insufficient to determine the role of this variant in disease. Therefore, it has been classified as a Variant of Uncertain Significance.

GeneDx
Classification: Uncertain significance. Last evaluated: 2023-03-17. Review status: criteria provided, single submitter. Criteria: GeneDx Variant Classification Process June 2021. Collection method: clinical testing. Allele origin: germline. Affected: yes.
Comment: Not observed at significant frequency in large population cohorts (gnomAD); In silico analysis supports that this missense variant does not alter protein structure/function; Has not been previously published as pathogenic or benign to our knowledge